The following is an entry in ClinVar:

NM_001323289.2(CDKL5):c.275_276insAA (p.Glu93fs)

Gene: CDKL5 (cyclin dependent kinase like 5; plus strand). Cytogenetic location: Xp22.13.
Variant type: Insertion.
Coding change: c.275_276insAA on transcript NM_001323289.2 (MANE Select); coding-DNA positions 275 to 276, AA inserted.
Protein change: p.Glu93fs; shifts the reading frame from glutamic acid 93.
Molecular consequence: frameshift variant.
Genome position: GRCh38 VCF-style: chrX-18575483-T-TAA. GRCh37 (hg19) VCF-style: chrX-18593603-T-TAA.
Other names: NM_001323289.2(CDKL5):c.275_276insAA; p.Glu93fs; c.275_276insAA, p.Glu93fs (NM_001037343.2, NM_003159.3); short protein forms E93fs.
Identifiers: ClinVar variation 189584 (VCV000189584.3), dbSNP rs786204982, ClinGen allele CA199396.

ClinVar aggregate classification (germline): Pathogenic. Review status: criteria provided, single submitter (1 of 4 stars). 2 submissions from 2 submitters: Pathogenic (1). 1 of the submissions does not count toward it. Last evaluated 2024-09-18.

Conditions:
CDKL5 disorder. Identifiers: MedGen CN296942, MONDO:0100039.
Developmental and epileptic encephalopathy, 2 (DEE2). Also called: INFANTILE SPASM SYNDROME, X-LINKED 2; CDKL5 deficiency disorder. Identifiers: Orphanet 1934, Orphanet 3451, Orphanet 505652, MedGen C4750718, MONDO:0010396, OMIM 300672.

Submissions (2):

Centre for Population Genomics, CPG
Classification: Pathogenic for CDKL5 disorder. Last evaluated: 2024-09-18. Review status: criteria provided, single submitter. Criteria: McKnight et al. (Hum Mutat. 2022). Collection method: curation. Allele origin: germline. Inheritance: X-linked inheritance.
Comment: This variant has been collected from RettBASE and curated to current modified ACMG/AMP criteria. Based on the classification scheme defined by the ClinGen Rett/Angelman-like Expert Panel for Rett/AS-like Disorders Specifications to the ACMG/AMP Variant Interpretation Guidelines VCEP 3.0, this variant is classified as pathogenic. At least the following criteria are met: Predicted to result in loss of function, and LOF is a known mechanism of disease (PVS1). This variant has been identified as a de novo occurrence in an individual with CDKL5 disorder without confirmation of paternity and maternity (PM6). This variant is absent from gnomAD v4 (PM2_Supporting).

RettBASE
Classification: Pathogenic for Epileptic encephalopathy, early infantile, 2. Last evaluated: 2014-03-13. Review status: no assertion criteria provided. Collection method: curation. Allele origin: de novo. Affected: yes. Observed: 1 variant allele. Not counted in ClinVar's aggregate classification.

Literature cited by the submitters: PubMed 21765152 (cited by RettBASE).